The following is an entry in ClinVar:

NM_000257.4(MYH7):c.3499C>T (p.Arg1167Cys)

Gene: MYH7 (myosin heavy chain 7; minus strand). Cytogenetic location: 14q11.2.
Variant type: single nucleotide variant.
Coding change: c.3499C>T on transcript NM_000257.4 (MANE Select); coding-DNA position 3499, C replaced by T.
Protein change: p.Arg1167Cys; replaces arginine 1167 with cysteine.
Molecular consequence: missense variant.
Genome position (GRCh38, 1-based): chr14:23,420,072, G>A on the plus strand (C>T on the coding strand, the complement: MYH7 is on the minus strand). VCF-style: chr14-23420072-G-A. GRCh37 (hg19) VCF-style: chr14-23889281-G-A.
Other names: c.3499C>T, p.Arg1167Cys (NM_001407004.1); short protein forms R1167C.
Identifiers: ClinVar variation 3074402 (VCV003074402.1), dbSNP rs751695298, ClinGen allele CA037664.

ClinVar aggregate classification (germline): Uncertain significance (1 of 4 stars; one submission).

Conditions:
Cardiomyopathy (CMYO). Also called: Cardiomyopathies. Identifiers: Orphanet 167848, MedGen C0878544, MONDO:0004994, HP:0001638. Inheritance: Various modes of inheritance.

Allele frequency attached by ClinVar (database versions not stated): ExAC 0.00001.
gnomAD v4.1: 2 of 1,592,276 alleles (0.00013%); highest among the groups gnomAD compares: Non-Finnish European, 0.00017%; no homozygotes.

Submission:

All of Us Research Program, National Institutes of Health
Classification: Uncertain significance for Cardiomyopathy. Last evaluated: 2023-11-02. Review status: criteria provided, single submitter. Criteria: ACMG Guidelines, 2015. Collection method: clinical testing. Allele origin: germline. Inheritance: Autosomal dominant inheritance. Observed: 1 variant allele, 1 heterozygote.
Comment: This missense variant replaces arginine with cysteine at codon 1167 of the MYH7 protein. Computational prediction suggests that this variant may have deleterious impact on protein structure and function (internally defined REVEL score threshold >= 0.7, PMID: 27666373). To our knowledge, functional studies have not been reported for this variant. This variant has not been reported in individuals affected with MYH7-related disorders in the literature. This variant has not been identified in the general population by the Genome Aggregation Database (gnomAD). The available evidence is insufficient to determine the role of this variant in disease conclusively. Therefore, this variant is classified as a Variant of Uncertain Significance.

This study involves interpretation of variants in research participants for the purpose of population health screening. Participant phenotype was not available at the time of variant classification. Additional details can be found in publication PMID: 35346344, PMCID: PMC8962531